The following is an entry in ClinVar:

NM_000237.3(LPL):c.1187A>T (p.Glu396Val)

Gene: LPL (lipoprotein lipase; plus strand). Cytogenetic location: 8p21.3.
Variant type: single nucleotide variant.
Coding change: c.1187A>T on transcript NM_000237.3 (MANE Select); coding-DNA position 1187, A replaced by T.
Protein change: p.Glu396Val; replaces glutamic acid 396 with valine.
Molecular consequence: missense variant.
Genome position (GRCh38, 1-based): chr8:19,960,948, A>T. VCF-style: chr8-19960948-A-T. GRCh37 (hg19) VCF-style: chr8-19818459-A-T.
Other names: short protein forms E396V.
Identifiers: ClinVar variation 226450 (VCV000226450.7), dbSNP rs886037775, ClinGen allele CA10602403.

ClinVar aggregate classification (germline): Conflicting classifications of pathogenicity. Review status: criteria provided, conflicting classifications (1 of 4 stars). 6 submissions from 6 submitters: Likely pathogenic (2); Uncertain significance (2). 2 of the submissions do not count toward it. Last evaluated 2025-10-04.

Conditions:
Cardiovascular phenotype. Identifiers: MedGen CN230736.
Hyperlipoproteinemia, type I. Also called: Lipoprotein Lipase Deficiency; Hyperlipoproteinemia type 1; Hyperchylomicro-nemia familial; Familial chylomicronemia; Hyperlipemia idiopathic Burger-Grutz type; Familial hyperlipo-proteinemia type 1. Identifiers: Orphanet 309015, Orphanet 444490, MedGen C0023817, MONDO:0009387, OMIM 238600. Disease mechanism: loss of function.
Hyperlipidemia, familial combined, LPL related (FCHL3). Also called: Hyperapobetalipoproteinemia. Identifiers: MedGen C0020474, MONDO:0007759, OMIM 144250, HP:0008158.

Allele frequency attached by ClinVar (database versions not stated): TOPMed 0.00002.

Submissions (6):

Labcorp Genetics (formerly Invitae), Labcorp
Classification: Uncertain significance. Last evaluated: 2025-10-04. Review status: criteria provided, single submitter. Criteria: Invitae Variant Classification Sherloc (09022015). Collection method: clinical testing. Allele origin: germline.
Comment: This sequence change replaces glutamic acid, which is acidic and polar, with valine, which is neutral and non-polar, at codon 396 of the LPL protein (p.Glu396Val). This variant is not present in population databases (gnomAD no frequency). This missense change has been observed in individual(s) with clinical features of familial hyperlipidemia and/or dyslipidemia (PMID: 25034063, 28548960, 36991406). ClinVar contains an entry for this variant (Variation ID: 226450). Invitae Evidence Modeling of protein sequence and biophysical properties (such as structural, functional, and spatial information, amino acid conservation, physicochemical variation, residue mobility, and thermodynamic stability) has been performed for this missense variant. However, the output from this modeling did not meet the statistical confidence thresholds required to predict the impact of this variant on LPL protein function. Experimental studies are conflicting or provide insufficient evidence to determine the effect of this variant on LPL function (PMID: 28548960). In summary, the available evidence is currently insufficient to determine the role of this variant in disease. Therefore, it has been classified as a Variant of Uncertain Significance.

Fulgent Genetics
Classification: Likely pathogenic for Hyperlipidemia, familial combined, LPL related; Hyperlipoproteinemia, type I. Last evaluated: 2024-04-16. Review status: criteria provided, single submitter. Criteria: ACMG Guidelines, 2015. Collection method: clinical testing. Allele origin: germline.

Women's Health and Genetics/Laboratory Corporation of America, LabCorp
Classification: Uncertain significance. Last evaluated: 2024-04-11. Review status: criteria provided, single submitter. Criteria: LabCorp Variant Classification Summary - May 2015. Collection method: clinical testing. Allele origin: germline.
Comment: Variant summary: LPL c.1187A>T (p.Glu396Val) results in a non-conservative amino acid change located in the PLAT/LH2 domain (IPR001024) of the encoded protein sequence. Five of five in-silico tools predict a damaging effect of the variant on protein function. The variant was absent in 251382 control chromosomes (gnomAD). The available data on variant occurrences in the general population are insufficient to allow any conclusion about variant significance. c.1187A>T has been reported in the literature in individuals affected with Familial Lipoprotein Lipase Deficiency (e.g., Lun_2017, Zhang_2023), however was also identified in healthy controls (e.g., Cui_2014). These reports do not provide unequivocal conclusions about association of the variant with Familial Lipoprotein Lipase Deficiency. At least one publication reports experimental evidence evaluating an impact on protein function, suggesting that the variant may result in reduced transport of LPL to the cell surface relative to wild type (e.g., Lun_2017). The following publications have been ascertained in the context of this evaluation (PMID: 25034063, 28548960, 36991406). ClinVar contains an entry for this variant (Variation ID: 226450). Based on the evidence outlined above, the variant was classified as uncertain significance.

Ambry Genetics
Classification: Likely pathogenic for Cardiovascular phenotype. Last evaluated: 2023-10-27. Review status: criteria provided, single submitter. Criteria: Ambry Variant Classification Scheme 2023. Collection method: clinical testing. Allele origin: germline.
Comment: The c.1187A>T (p.E396V) alteration is located in coding exon 8 of the LPL gene. This alteration results from a A to T substitution at nucleotide position 1187, causing the glutamic acid (E) at amino acid position 396 to be replaced by a valine (V). This variant was not reported in population-based cohorts in the Genome Aggregation Database (gnomAD). This amino acid position is well conserved in available vertebrate species. This alteration is predicted to be deleterious by in silico analysis. Based on the available evidence, this alteration is classified as likely pathogenic.

Cardiovascular Genetics Laboratory, PathWest Laboratory Medicine WA - Fiona Stanley Hospital
Classification: Likely pathogenic for Hyperlipoproteinemia, type I. Last evaluated: 2025-02-20. Review status: no assertion criteria provided. Criteria: ACMG Guidelines, 2015. Collection method: clinical testing. Allele origin: germline. Affected: yes. Not counted in ClinVar's aggregate classification.

Department of Endocrinology, The Affiliated hospital of QingDao University
Classification: Likely pathogenic for Hyperlipoproteinemia, type I. Last evaluated: 2015-10-29. Review status: no assertion criteria provided. Collection method: clinical testing. Allele origin: germline. Affected: yes. Observed: 2 variant alleles, 1 heterozygote, 1 compound heterozygote. Not counted in ClinVar's aggregate classification.

Literature cited by the submitters: PubMed 25034063 (cited by Labcorp Genetics (formerly Invitae), Labcorp and Women's Health and Genetics/Laboratory Corporation of America, LabCorp); PubMed 28548960 (cited by 3 submitters); PubMed 36991406 (cited by 3 submitters).